The following is an entry in ClinVar:

ClinVar aggregate classification (germline): Conflicting classifications of pathogenicity. Review status: criteria provided, conflicting classifications (1 of 4 stars). 5 submissions from 5 submitters: Uncertain significance (4); Likely benign (1). Last evaluated 2026-01-12.

Conditions:
Cardiovascular phenotype. Identifiers: MedGen CN230736.
Dilated cardiomyopathy 1JJ (CMD1JJ). Identifiers: Orphanet 154, MedGen C3808935, MONDO:0014095, OMIM 615235.

Allele frequency attached by ClinVar (database versions not stated): gnomAD exomes 0.00001; TOPMed 0.00008; gnomAD 0.00009 and 0.00011; ESP Exome Variant Server 0.00015; 1000 Genomes Project 0.00020; 1000 Genomes Project 30x 0.00031.
gnomAD v4.1: 32 of 1,613,776 alleles (0.002%); highest among the groups gnomAD compares: African/African-American, 0.04%; no homozygotes.

Submissions (5):

Labcorp Genetics (formerly Invitae), Labcorp
Classification: Uncertain significance for Dilated cardiomyopathy 1JJ. Last evaluated: 2026-01-12. Review status: criteria provided, single submitter. Criteria: Invitae Variant Classification Sherloc (09022015). Collection method: clinical testing. Allele origin: germline.
Comment: This sequence change replaces aspartic acid, which is acidic and polar, with glutamic acid, which is acidic and polar, at codon 589 of the LAMA4 protein (p.Asp589Glu). This variant is present in population databases (rs145986920, gnomAD 0.03%). This variant has not been reported in the literature in individuals affected with LAMA4-related conditions. ClinVar contains an entry for this variant (Variation ID: 426836). Invitae Evidence Modeling of protein sequence and biophysical properties (such as structural, functional, and spatial information, amino acid conservation, physicochemical variation, residue mobility, and thermodynamic stability) indicates that this missense variant is not expected to disrupt LAMA4 protein function with a negative predictive value of 80%. In summary, the available evidence is currently insufficient to determine the role of this variant in disease. Therefore, it has been classified as a Variant of Uncertain Significance.

Women's Health and Genetics/Laboratory Corporation of America, LabCorp
Classification: Uncertain significance. Last evaluated: 2025-09-15. Review status: criteria provided, single submitter. Criteria: LabCorp Variant Classification Summary - May 2015. Collection method: clinical testing. Allele origin: germline.

GeneDx
Classification: Uncertain significance. Last evaluated: 2024-04-11. Review status: criteria provided, single submitter. Criteria: GeneDx Variant Classification Process June 2021. Collection method: clinical testing. Allele origin: germline. Affected: yes.
Comment: In silico analysis indicates that this missense variant does not alter protein structure/function; Has not been previously published as pathogenic or benign to our knowledge

Fulgent Genetics
Classification: Uncertain significance for Dilated cardiomyopathy 1JJ. Last evaluated: 2021-07-23. Review status: criteria provided, single submitter. Criteria: ACMG Guidelines, 2015. Collection method: clinical testing. Allele origin: unknown.

Ambry Genetics
Classification: Likely benign for Cardiovascular phenotype. Last evaluated: 2019-12-13. Review status: criteria provided, single submitter. Criteria: Ambry Variant Classification Scheme 2023. Collection method: clinical testing. Allele origin: germline.

NM_001105206.3(LAMA4):c.1788C>A (p.Asp596Glu)

Gene: LAMA4 (laminin subunit alpha 4; minus strand). Cytogenetic location: 6q21.
Variant type: single nucleotide variant.
Coding change: c.1788C>A on transcript NM_001105206.3 (MANE Select); coding-DNA position 1788, C replaced by A.
Protein change: p.Asp596Glu; replaces aspartic acid 596 with glutamic acid.
Molecular consequence: missense variant.
Genome position (GRCh38, 1-based): chr6:112,158,761, G>T on the plus strand (C>A on the coding strand, the complement: LAMA4 is on the minus strand). VCF-style: chr6-112158761-G-T. GRCh37 (hg19) VCF-style: chr6-112479963-G-T.
Other names: c.1767C>A, p.Asp589Glu (NM_001105207.3, NM_002290.5); c.1767C>A (LRG_433t2); short protein forms D589E, D596E.
Identifiers: ClinVar variation 426836 (VCV000426836.17), dbSNP rs145986920, ClinGen allele CA3965681.
Genomic context (GRCh38, chr6:112,158,761, plus strand): 5'-GATATTTGCATTTCTAAAACCAGGATATTACCTGCTCAATTCATTAGCTTCTTGTTGAAG[G>T]TCCTGTGCATGGTCAATAGCTTCTTGGACTAAATCATGGCTGAGGTTACTTAGGTTAGAT-3'
Protein context (NP_001098676.2, residues 586-606): LVQEAIDHAQ[Asp596Glu]LQQEANELSR